The following is an entry in ClinVar:

ClinVar aggregate classification (germline): Likely benign (0 of 4 stars; one submission).

Conditions:
LAMA5-related disorder. Also called: LAMA5-related condition; LAMA5-Related Disorders.

gnomAD v4.1: 389 of 1,612,824 alleles (0.024%); highest among the groups gnomAD compares: South Asian, 0.035%; 1 homozygote.

Submission:

PreventionGenetics, part of Exact Sciences
Classification: Likely benign for LAMA5-related condition. Last evaluated: 2024-09-03. Review status: no assertion criteria provided. Collection method: clinical testing. Allele origin: germline.
Comment: This variant is classified as likely benign based on ACMG/AMP sequence variant interpretation guidelines (Richards et al. 2015 PMID: 25741868, with internal and published modifications).

NM_005560.6(LAMA5):c.5268C>T (p.His1756=)

Gene: LAMA5 (laminin subunit alpha 5; minus strand). Cytogenetic location: 20q13.33.
Variant type: single nucleotide variant.
Coding change: c.5268C>T on transcript NM_005560.6 (MANE Select); coding-DNA position 5268, C replaced by T.
Protein change: p.His1756=; no amino-acid change (histidine 1756 retained).
Molecular consequence: synonymous variant.
Genome position (GRCh38, 1-based): chr20:62,326,707, G>A on the plus strand (C>T on the coding strand, the complement: LAMA5 is on the minus strand). VCF-style: chr20-62326707-G-A. GRCh37 (hg19) VCF-style: chr20-60901763-G-A.
Identifiers: ClinVar variation 3344580 (VCV003344580.1).